The following is an entry in ClinVar:

ClinVar aggregate classification (germline): Likely benign. Review status: criteria provided, multiple submitters, no conflicts (2 of 4 stars). 3 submissions from 3 submitters: Likely benign (2). 1 of the submissions does not count toward it. Last evaluated 2025-12-22.

Conditions:
MOCS3-related disorder. Also called: MOCS3-related condition.

Allele frequency attached by ClinVar (database versions not stated): gnomAD 0.00021 and 0.00024; TOPMed 0.00022; ESP Exome Variant Server 0.00031.
gnomAD v4.1: 71 of 1,611,140 alleles (0.0044%); highest among the groups gnomAD compares: African/African-American, 0.075%; 1 homozygote.

Submissions (3):

Labcorp Genetics (formerly Invitae), Labcorp
Classification: Likely benign. Last evaluated: 2025-12-22. Review status: criteria provided, single submitter. Criteria: Invitae Variant Classification Sherloc (09022015). Collection method: clinical testing. Allele origin: germline.

Breakthrough Genomics
Classification: Likely benign. Review status: criteria provided, single submitter. Criteria: ACMG Guidelines, 2015. Collection method: not provided. Allele origin: germline. Inheritance: Unknown mechanism. Affected: yes.

PreventionGenetics, part of Exact Sciences
Classification: Likely benign for MOCS3-related condition. Last evaluated: 2020-05-22. Review status: no assertion criteria provided. Collection method: clinical testing. Allele origin: germline. Not counted in ClinVar's aggregate classification.
Comment: This variant is classified as likely benign based on ACMG/AMP sequence variant interpretation guidelines (Richards et al. 2015 PMID: 25741868, with internal and published modifications).

NM_014484.5(MOCS3):c.378G>A (p.Val126=)

Gene: MOCS3 (molybdenum cofactor synthesis 3; plus strand). Cytogenetic location: 20q13.13.
Variant type: single nucleotide variant.
Coding change: c.378G>A on transcript NM_014484.5 (MANE Select); coding-DNA position 378, G replaced by A.
Protein change: p.Val126=; no amino-acid change (valine 126 retained).
Molecular consequence: synonymous variant.
Genome position (GRCh38, 1-based): chr20:50,959,220, G>A. VCF-style: chr20-50959220-G-A. GRCh37 (hg19) VCF-style: chr20-49575757-G-A.
Other names: c.378G>A (NM_014484.4).
Identifiers: ClinVar variation 1652053 (VCV001652053.11), dbSNP rs112533531, ClinGen allele CA9909396.